The following is an entry in ClinVar:

NM_014905.5(GLS):c.1902T>G (p.Asp634Glu)

Gene: GLS (glutaminase; plus strand). Cytogenetic location: 2q32.2.
Variant type: single nucleotide variant.
Coding change: c.1902T>G on transcript NM_014905.5 (MANE Select); coding-DNA position 1902, T replaced by G.
Protein change: p.Asp634Glu; replaces aspartic acid 634 with glutamic acid.
Molecular consequence: missense variant.
Genome position (GRCh38, 1-based): chr2:190,962,878, T>G. VCF-style: chr2-190962878-T-G. GRCh37 (hg19) VCF-style: chr2-191827604-T-G.
Other names: c.1838T>G, p.Met613Arg (NM_001437282.1); short protein forms D634E, M613R.
Identifiers: ClinVar variation 4885315 (VCV004885315.2).

ClinVar aggregate classification (germline): Uncertain significance (1 of 4 stars; one submission).

Submission:

Dasa
Classification: Uncertain significance. Last evaluated: 2025-11-27. Review status: criteria provided, single submitter. Criteria: DASA Assertion Criteria. Collection method: clinical testing. Allele origin: germline.
Comment: NM_014905.5(GLS):c.1902T>G (p.Asp634Glu) is a missense variant that results in the substitution of aspartic acid with glutamic acid. This variant is absent from population databases. The currently available literature and clinical evidence are not sufficient to establish a definitive association between this variant and the reported condition. Therefore, this variant is classified as a variant of uncertain significance.